The following is an entry in ClinVar:

NM_001854.4(COL11A1):c.564A>T (p.Lys188Asn)

Gene: COL11A1 (collagen type XI alpha 1 chain; minus strand). Cytogenetic location: 1p21.1.
Variant type: single nucleotide variant.
Coding change: c.564A>T on transcript NM_001854.4 (MANE Select); coding-DNA position 564, A replaced by T.
Protein change: p.Lys188Asn; replaces lysine 188 with asparagine.
Molecular consequence: missense variant. On other transcripts: non-coding transcript variant (1).
Genome position (GRCh38, 1-based): chr1:103,074,705, T>A on the plus strand (A>T on the coding strand, the complement: COL11A1 is on the minus strand). VCF-style: chr1-103074705-T-A. GRCh37 (hg19) VCF-style: chr1-103540261-T-A.
Other names: c.564A>T, p.Lys188Asn (NM_001190709.2, NM_080629.3, NM_080630.4); short protein forms K188N.
Identifiers: ClinVar variation 3710056 (VCV003710056.2).
Genomic context (GRCh38, chr1:103,074,705, plus strand): 5'-TGTTCCAAAAACCGTGATTCCATTGGTATCAACAATTGCTCTCTCACTTCTATCAAGTGG[T>A]TTCGTGGTTTTCTTCTTACAATCAACAATCATTGTCACAGTTTTCTTCTCCACGCTGATT-3'
Protein context (NP_001845.3, residues 178-198): MIVDCKKKTT[Lys188Asn]PLDRSERAIV

ClinVar aggregate classification (germline): Uncertain significance (1 of 4 stars; one submission).

gnomAD v4.1: 1 of 1,613,388 alleles (0.000062%); highest among the groups gnomAD compares: African/African-American, 0.0013%; no homozygotes.

Submission:

Labcorp Genetics (formerly Invitae), Labcorp
Classification: Uncertain significance. Last evaluated: 2024-03-30. Review status: criteria provided, single submitter. Criteria: Invitae Variant Classification Sherloc (09022015). Collection method: clinical testing. Allele origin: germline.
Comment: This sequence change replaces lysine, which is basic and polar, with asparagine, which is neutral and polar, at codon 188 of the COL11A1 protein (p.Lys188Asn). This variant is not present in population databases (gnomAD no frequency). This variant has not been reported in the literature in individuals affected with COL11A1-related conditions. Advanced modeling of protein sequence and biophysical properties (such as structural, functional, and spatial information, amino acid conservation, physicochemical variation, residue mobility, and thermodynamic stability) performed at Invitae indicates that this missense variant is not expected to disrupt COL11A1 protein function with a negative predictive value of 95%. In summary, the available evidence is currently insufficient to determine the role of this variant in disease. Therefore, it has been classified as a Variant of Uncertain Significance.